The following is an entry in ClinVar:

NM_002693.3(POLG):c.2029G>C (p.Glu677Gln)

Gene: POLG (DNA polymerase gamma, catalytic subunit; minus strand). Cytogenetic location: 15q26.1.
Variant type: single nucleotide variant.
Coding change: c.2029G>C on transcript NM_002693.3 (MANE Select); coding-DNA position 2029, G replaced by C.
Protein change: p.Glu677Gln; replaces glutamic acid 677 with glutamine.
Molecular consequence: missense variant.
Genome position (GRCh38, 1-based): chr15:89,324,148, C>G on the plus strand (G>C on the coding strand, the complement: POLG is on the minus strand). VCF-style: chr15-89324148-C-G. GRCh37 (hg19) VCF-style: chr15-89867379-C-G.
Other names: c.2029G>C, p.Glu677Gln (NM_001126131.2); short protein forms E677Q.
Identifiers: ClinVar variation 2896900 (VCV002896900.3), dbSNP rs1342375141, ClinGen allele CA393757559.

ClinVar aggregate classification (germline): Uncertain significance (1 of 4 stars; one submission).

Conditions:
Progressive sclerosing poliodystrophy (MTDPS4A). Also called: ALPERS PROGRESSIVE INFANTILE POLIODYSTROPHY; NEURONAL DEGENERATION OF CHILDHOOD WITH LIVER DISEASE, PROGRESSIVE; Mitochondrial DNA depletion syndrome 4A (Alpers type); Alpers Syndrome; ALPERS DIFFUSE DEGENERATION OF CEREBRAL GRAY MATTER WITH HEPATIC CIRRHOSIS; Alpers-Huttenlocher Syndrome. Identifiers: Orphanet 726, MedGen C0205710, MONDO:0008758, OMIM 203700.

Allele frequency attached by ClinVar (database versions not stated): gnomAD 0.00001; TOPMed 0.00001.
gnomAD v4.1: 1 of 1,613,962 alleles (0.000062%); highest among the groups gnomAD compares: Admixed American, 0.0017%; no homozygotes.

Submission:

Labcorp Genetics (formerly Invitae), Labcorp
Classification: Uncertain significance for Progressive sclerosing poliodystrophy. Last evaluated: 2024-10-22. Review status: criteria provided, single submitter. Criteria: Invitae Variant Classification Sherloc (09022015). Collection method: clinical testing. Allele origin: germline.
Comment: This sequence change replaces glutamic acid, which is acidic and polar, with glutamine, which is neutral and polar, at codon 677 of the POLG protein (p.Glu677Gln). This variant is not present in population databases (gnomAD no frequency). This variant has not been reported in the literature in individuals affected with POLG-related conditions. Invitae Evidence Modeling of protein sequence and biophysical properties (such as structural, functional, and spatial information, amino acid conservation, physicochemical variation, residue mobility, and thermodynamic stability) has been performed for this missense variant. However, the output from this modeling did not meet the statistical confidence thresholds required to predict the impact of this variant on POLG protein function. In summary, the available evidence is currently insufficient to determine the role of this variant in disease. Therefore, it has been classified as a Variant of Uncertain Significance.